The following is an entry in ClinVar:

ClinVar aggregate classification (germline): Uncertain significance (1 of 4 stars; one submission).

Submission:

Women's Health and Genetics/Laboratory Corporation of America, LabCorp
Classification: Uncertain significance. Last evaluated: 2021-03-04. Review status: criteria provided, single submitter. Criteria: LabCorp Variant Classification Summary - May 2015. Collection method: clinical testing. Allele origin: germline.
Comment: Variant summary: SMN1 c.835-29T>G is located at a position not widely known to affect splicing. 4/4 computational tools predict no significant impact on normal splicing. However, these predictions have yet to be confirmed by functional studies. The variant was absent in 242914 control chromosomes (gnomAD). The available data on variant occurrences in the general population are insufficient to allow any conclusion about variant significance. To our knowledge, no occurrence of c.835-29T>G in individuals affected with Spinal Muscular Atrophy and no experimental evidence demonstrating its impact on protein function have been reported. No clinical diagnostic laboratories have submitted clinical-significance assessments for this variant to ClinVar after 2014. Based on the evidence outlined above, the variant was classified as VUS-possibly benign.

NM_000344.4(SMN1):c.835-29T>G

Gene: SMN1 (survival of motor neuron 1, telomeric). Cytogenetic location: 5q13.2.
Variant type: single nucleotide variant.
Coding change: c.835-29T>G on transcript NM_000344.4 (MANE Select); 29 bases into the intron before coding-DNA position 835, T replaced by G.
Molecular consequence: intron variant.
Genome position (GRCh38, 1-based): chr5:70,951,912, T>G. VCF-style: chr5-70951912-T-G. GRCh37 (hg19) VCF-style: chr5-70247739-T-G.
Other names: c.835-527T>G (NM_001297715.1); c.739-29T>G (NM_022874.2).
Identifiers: ClinVar variation 495828 (VCV000495828.2), dbSNP rs1554082368, ClinGen allele CA658683386.